The following is an entry in ClinVar:

NM_000642.3(AGL):c.3386G>A (p.Gly1129Asp)

Gene: AGL (amylo-alpha-1,6-glucosidase and 4-alpha-glucanotransferase; plus strand). Cytogenetic location: 1p21.2.
Variant type: single nucleotide variant.
Coding change: c.3386G>A on transcript NM_000642.3 (MANE Select); coding-DNA position 3386, G replaced by A.
Protein change: p.Gly1129Asp; replaces glycine 1129 with aspartic acid.
Molecular consequence: missense variant.
Genome position (GRCh38, 1-based): chr1:99,900,659, G>A. VCF-style: chr1-99900659-G-A. GRCh37 (hg19) VCF-style: chr1-100366215-G-A.
Other names: c.3386G>A, p.Gly1129Asp (NM_000028.3, NM_000643.3, NM_000644.3 and 1 more transcripts); c.3338G>A, p.Gly1113Asp (NM_000646.3); c.3365G>A, p.Gly1122Asp (NM_001425326.1); c.3185G>A, p.Gly1062Asp (NM_001425327.1); c.3182G>A, p.Gly1061Asp (NM_001425328.1); c.3047G>A, p.Gly1016Asp (NM_001425329.1); c.3008G>A, p.Gly1003Asp (NM_001425332.1); short protein forms G1113D, G1129D, G1003D, G1016D, G1061D, G1062D, G1122D.
Identifiers: ClinVar variation 998673 (VCV000998673.7), dbSNP rs779241109, ClinGen allele CA341330682.

ClinVar aggregate classification (germline): Uncertain significance (1 of 4 stars; one submission).

Conditions:
Glycogen storage disease type III (GSD3). Also called: FORBES DISEASE; Cori disease. Identifiers: Orphanet 366, MedGen C0017922, MONDO:0009291, OMIM 232400.

gnomAD v4.1: 1 of 1,613,940 alleles (0.000062%); highest among the groups gnomAD compares: Non-Finnish European, 0.000085%; no homozygotes.

Submission:

Labcorp Genetics (formerly Invitae), Labcorp
Classification: Uncertain significance for Glycogen storage disease type III. Last evaluated: 2022-08-09. Review status: criteria provided, single submitter. Criteria: Invitae Variant Classification Sherloc (09022015). Collection method: clinical testing. Allele origin: germline.
Comment: This sequence change replaces glycine, which is neutral and non-polar, with aspartic acid, which is acidic and polar, at codon 1129 of the AGL protein (p.Gly1129Asp). This variant is not present in population databases (gnomAD no frequency). This variant has not been reported in the literature in individuals affected with AGL-related conditions. ClinVar contains an entry for this variant (Variation ID: 998673). Algorithms developed to predict the effect of missense changes on protein structure and function are either unavailable or do not agree on the potential impact of this missense change (SIFT: "Tolerated"; PolyPhen-2: "Possibly Damaging"; Align-GVGD: "Class C0"). In summary, the available evidence is currently insufficient to determine the role of this variant in disease. Therefore, it has been classified as a Variant of Uncertain Significance.